The following is an entry in ClinVar:

NM_032242.4(PLXNA1):c.3806G>A (p.Arg1269His)

Gene: PLXNA1 (plexin A1; plus strand). Cytogenetic location: 3q21.3.
Variant type: single nucleotide variant.
Coding change: c.3806G>A on transcript NM_032242.4 (MANE Select); coding-DNA position 3806, G replaced by A.
Protein change: p.Arg1269His; replaces arginine 1269 with histidine.
Molecular consequence: missense variant.
Genome position (GRCh38, 1-based): chr3:127,018,439, G>A. VCF-style: chr3-127018439-G-A. GRCh37 (hg19) VCF-style: chr3-126737282-G-A.
Other names: short protein forms R1269H.
Identifiers: ClinVar variation 3344878 (VCV003344878.1).

ClinVar aggregate classification (germline): Uncertain significance (0 of 4 stars; one submission).

Conditions:
PLXNA1-related disorder. Also called: PLXNA1-related condition.

gnomAD v4.1: 11 of 1,613,026 alleles (0.00068%); highest among the groups gnomAD compares: African/African-American, 0.0013%; no homozygotes.

Submission:

PreventionGenetics, part of Exact Sciences
Classification: Uncertain significance for PLXNA1-related condition. Last evaluated: 2024-08-14. Review status: no assertion criteria provided. Collection method: clinical testing. Allele origin: germline.
Comment: The PLXNA1 c.3806G>A variant is predicted to result in the amino acid substitution p.Arg1269His. To our knowledge, this variant has not been reported in the literature. This variant is reported in 0.00089% of alleles in individuals of European (Non-Finnish) descent in gnomAD. At this time, the clinical significance of this variant is uncertain due to the absence of conclusive functional and genetic evidence.